The following is an entry in ClinVar:

NM_001278716.2(FBXL4):c.1213G>A (p.Ala405Thr)

Gene: FBXL4 (F-box and leucine rich repeat protein 4; minus strand). Cytogenetic location: 6q16.1.
Variant type: single nucleotide variant.
Coding change: c.1213G>A on transcript NM_001278716.2 (MANE Select); coding-DNA position 1213, G replaced by A.
Protein change: p.Ala405Thr; replaces alanine 405 with threonine.
Molecular consequence: missense variant. On other transcripts: non-coding transcript variant (2).
Genome position (GRCh38, 1-based): chr6:98,899,372, C>T on the plus strand (G>A on the coding strand, the complement: FBXL4 is on the minus strand). VCF-style: chr6-98899372-C-T. GRCh37 (hg19) VCF-style: chr6-99347248-C-T.
Other names: c.1213G>A, p.Ala405Thr (NM_012160.5); short protein forms A405T.
Identifiers: ClinVar variation 437713 (VCV000437713.1), dbSNP rs761182973, ClinGen allele CA3933503.

ClinVar aggregate classification (germline): Uncertain significance (1 of 4 stars; one submission).

Conditions:
Mitochondrial DNA depletion syndrome 13. Also called: FBXL4-Related Encephalomyopathic Mitochondrial DNA Depletion Syndrome; Mitochondrial DNA depletion syndrome 13 (encephalomyopathic type). Identifiers: Orphanet 369897, MedGen C3809592, MONDO:0014198, OMIM 615471.

Allele frequency attached by ClinVar (database versions not stated): ExAC 0.00001; gnomAD 0.00001.
gnomAD v4.1: 1 of 1,613,792 alleles (0.000062%); highest among the groups gnomAD compares: Non-Finnish European, 0.000085%; no homozygotes.

Submission:

Wong Mito Lab, Molecular and Human Genetics, Baylor College of Medicine
Classification: Uncertain significance for Mitochondrial DNA depletion syndrome 13. Last evaluated: 2017-08-10. Review status: criteria provided, single submitter. Criteria: ACMG Guidelines, 2015. Collection method: reference population. Allele origin: germline.
Comment: The NM_012160.4:c.1213G>A (NP_036292.2:p.Ala405Thr) [GRCH38: NC_000006.12:g.98899372C>T] variant in FBXL4 gene is interpretated to be a Uncertain Significance - Insufficient Evidence based on ACMG guidelines (PMID: 25741868). This variant meets one or more of the following evidence codes reported in the ACMG-guideline. PM2:This variant is absent in key population databases. Based on this evidence code ClinGen Pathogenicity Calculator (PMID:28081714) suggested that the variant is Uncertain Significance - Insufficient Evidence.